The following is an entry in ClinVar:

ClinVar aggregate classification (germline): Uncertain significance (1 of 4 stars; one submission).

Submission:

GeneDx
Classification: Uncertain significance. Last evaluated: 2023-10-25. Review status: criteria provided, single submitter. Criteria: GeneDx Variant Classification Process June 2021. Collection method: clinical testing. Allele origin: germline. Affected: yes.
Comment: Not observed at significant frequency in large population cohorts (gnomAD); In silico analysis supports that this missense variant does not alter protein structure/function; Has not been previously published as pathogenic or benign to our knowledge

NM_171998.4(RAB39B):c.139T>A (p.Ser47Thr)

Gene: RAB39B (RAB39B, member RAS oncogene family; minus strand). Cytogenetic location: Xq28.
Variant type: single nucleotide variant.
Coding change: c.139T>A on transcript NM_171998.4 (MANE Select); coding-DNA position 139, T replaced by A.
Protein change: p.Ser47Thr; replaces serine 47 with threonine.
Molecular consequence: missense variant.
Genome position (GRCh38, 1-based): chrX:155,264,150, A>T on the plus strand (T>A on the coding strand, the complement: RAB39B is on the minus strand). VCF-style: chrX-155264150-A-T. GRCh37 (hg19) VCF-style: chrX-154493435-A-T.
Other names: short protein forms S47T.
Identifiers: ClinVar variation 3363240 (VCV003363240.1).